The following is an entry in ClinVar:

ClinVar aggregate classification (germline): Likely benign. Review status: criteria provided, multiple submitters, no conflicts (2 of 4 stars). 3 submissions from 3 submitters: Likely benign (2). 1 of the submissions does not count toward it. Last evaluated 2026-01-19.

Conditions:
Bethlem myopathy 1A. Also called: Bethlem myopathy 1; MYOPATHY, BENIGN CONGENITAL, WITH CONTRACTURES; Bethlem Muscular Dystrophy. Identifiers: Orphanet 610, MedGen CN029274, MONDO:0024530, OMIM 158810.
COL6A2-related disorder.

Allele frequency attached by ClinVar (database versions not stated): gnomAD 0.00019 and 0.00020; TOPMed 0.00023; gnomAD exomes 0.00024 and 0.00045; ExAC 0.00026; ESP Exome Variant Server 0.00054.
gnomAD v4.1: 674 of 1,612,196 alleles (0.042%); highest among the groups gnomAD compares: Non-Finnish European, 0.053%; no homozygotes.

Submissions (3):

Labcorp Genetics (formerly Invitae), Labcorp
Classification: Likely benign for Bethlem myopathy 1A. Last evaluated: 2026-01-19. Review status: criteria provided, single submitter. Criteria: Invitae Variant Classification Sherloc (09022015). Collection method: clinical testing. Allele origin: germline.

Blueprint Genetics
Classification: Likely benign. Last evaluated: 2024-02-28. Review status: criteria provided, single submitter. Criteria: ACMG Guidelines, 2015. Collection method: clinical testing. Allele origin: germline.

PreventionGenetics, part of Exact Sciences
Classification: Likely benign for COL6A2-related condition. Last evaluated: 2020-03-03. Review status: no assertion criteria provided. Collection method: clinical testing. Allele origin: germline. Not counted in ClinVar's aggregate classification.
Comment: This variant is classified as likely benign based on ACMG/AMP sequence variant interpretation guidelines (Richards et al. 2015 PMID: 25741868, with internal and published modifications).

NM_001849.4(COL6A2):c.1522-20G>A

Gene: COL6A2 (collagen type VI alpha 2 chain; plus strand). Cytogenetic location: 21q22.3.
Variant type: single nucleotide variant.
Coding change: c.1522-20G>A on transcript NM_001849.4 (MANE Select); 20 bases into the intron before coding-DNA position 1522, G replaced by A.
Molecular consequence: intron variant.
Genome position (GRCh38, 1-based): chr21:46,122,088, G>A. VCF-style: chr21-46122088-G-A. GRCh37 (hg19) VCF-style: chr21-47542002-G-A.
Other names: c.1522-20G>A (NM_001849.3, NM_058175.3, NM_058174.3).
Identifiers: ClinVar variation 1574513 (VCV001574513.14), dbSNP rs368072665, ClinGen allele CA10071956.